The following is an entry in ClinVar:

NM_000181.4(GUSB):c.1756dup (p.Ile586fs)

Gene: GUSB (glucuronidase beta; minus strand). Cytogenetic location: 7q11.21.
Variant type: Duplication.
Coding change: c.1756dup on transcript NM_000181.4 (MANE Select); coding-DNA position 1756, one base duplicated (A; older notation c.1756dupA).
Protein change: p.Ile586fs; shifts the reading frame from isoleucine 586.
Molecular consequence: frameshift variant. On other transcripts: non-coding transcript variant (1).
Genome position (GRCh38, 1-based): chr7:65,964,356, T duplicated on the plus strand (A on the coding strand, the reverse complement: GUSB is on the minus strand). VCF-style (leftmost placement, unchanged base first): chr7-65964355-A-AT. GRCh37 (hg19) VCF-style: chr7-65429342-A-AT.
Other names: c.1318dup, p.Ile440fs (NM_001284290.2); c.1186dup, p.Ile396fs (NM_001293104.2); c.1099dup, p.Ile367fs (NM_001293105.2); short protein forms I440fs, I586fs, I396fs, I367fs.
Identifiers: ClinVar variation 2903068 (VCV002903068.3), dbSNP rs2484748655, ClinGen allele CA2739266439.

ClinVar aggregate classification (germline): Pathogenic (1 of 4 stars; one submission).

Conditions:
Mucopolysaccharidosis type 7 (MPS7). Also called: SLY SYNDROME; MPS VII; BETA-GLUCURONIDASE DEFICIENCY; GUSB DEFICIENCY. Identifiers: Orphanet 584, MedGen C0085132, MONDO:0009662, OMIM 253220.

Submission:

Labcorp Genetics (formerly Invitae), Labcorp
Classification: Pathogenic for Mucopolysaccharidosis type 7. Last evaluated: 2023-09-17. Review status: criteria provided, single submitter. Criteria: Invitae Variant Classification Sherloc (09022015). Collection method: clinical testing. Allele origin: germline.
Comment: For these reasons, this variant has been classified as Pathogenic. This variant disrupts a region of the GUSB protein in which other variant(s) (p.Trp627Cys) have been determined to be pathogenic (PMID: 7680524). This suggests that this is a clinically significant region of the protein, and that variants that disrupt it are likely to be disease-causing. This variant has not been reported in the literature in individuals affected with GUSB-related conditions. This variant is not present in population databases (gnomAD no frequency). This sequence change creates a premature translational stop signal (p.Ile586Asnfs*10) in the GUSB gene. While this is not anticipated to result in nonsense mediated decay, it is expected to disrupt the last 66 amino acid(s) of the GUSB protein.

Literature cited by the submitters: PubMed 7680524.